The following is an entry in ClinVar:

ClinVar aggregate classification (germline): Uncertain significance (1 of 4 stars; one submission).

Conditions:
Long QT syndrome (LQTS). Identifiers: MedGen C0023976, MeSH D008133, MONDO:0002442. Disease mechanism: loss of function. Inheritance: Various modes of inheritance.

Submission:

Labcorp Genetics (formerly Invitae), Labcorp
Classification: Uncertain significance for Long QT syndrome. Last evaluated: 2023-04-28. Review status: criteria provided, single submitter. Criteria: Invitae Variant Classification Sherloc (09022015). Collection method: clinical testing. Allele origin: unknown.
Comment: In summary, the available evidence is currently insufficient to determine the role of this variant in disease. Therefore, it has been classified as a Variant of Uncertain Significance. Experimental studies and prediction algorithms are not available or were not evaluated, and the functional significance of this variant is currently unknown. This variant has not been reported in the literature in individuals affected with SNTA1-related conditions. This variant results in a copy number gain of the genomic region encompassing exon(s) 3 of the SNTA1 gene. While the exact position of this variant cannot be determined from the data, sub-genic copy number gains are generally in tandem (PMID: 25640679). This variant is predicted to be out-of-frame, and may result in an absent or disrupted protein product. However, the current clinical and genetic evidence is not sufficient to establish whether loss-of-function variants in SNTA1 cause disease.

Literature cited by the submitters: PubMed 25640679.

NC_000020.10:g.(?_32005505)_(32005749_?)dup

Gene: SNTA1 (syntrophin alpha 1; minus strand). Cytogenetic location: 20q11.21.
Variant type: Duplication.
Identifiers: ClinVar variation 3248229 (VCV003248229.1).